The following is an entry in ClinVar:

ClinVar aggregate classification (germline): Uncertain significance. Review status: criteria provided, single submitter (1 of 4 stars). 2 submissions from 2 submitters: Uncertain significance (1). 1 of the submissions does not count toward it. Last evaluated 2025-11-03.

Conditions:
Dyskeratosis congenita, autosomal recessive 5 (DKCB5). Identifiers: MedGen C3554656, MONDO:0014076, OMIM 615190.
Pulmonary fibrosis and/or bone marrow failure, Telomere-related, 3. Also called: PULMONARY FIBROSIS AND/OR BONE MARROW FAILURE SYNDROME, TELOMERE-RELATED, 3. Identifiers: Orphanet 2032, MedGen C4225346, MONDO:0014613, OMIM 616373.
Dyskeratosis congenita. Identifiers: Orphanet 1775, MedGen C0265965, MONDO:0015780.

Submissions (2):

Labcorp Genetics (formerly Invitae), Labcorp
Classification: Uncertain significance for Dyskeratosis congenita, autosomal recessive 5; Pulmonary fibrosis and/or bone marrow failure, Telomere-related, 3. Last evaluated: 2025-11-03. Review status: criteria provided, single submitter. Criteria: Invitae Variant Classification Sherloc (09022015). Collection method: clinical testing. Allele origin: germline.
Comment: This sequence change replaces asparagine, which is neutral and polar, with lysine, which is basic and polar, at codon 911 of the RTEL1 protein (p.Asn911Lys). This variant is not present in population databases (gnomAD no frequency). This variant has not been reported in the literature in individuals affected with RTEL1-related conditions. ClinVar contains an entry for this variant (Variation ID: 1042844). An algorithm developed to predict the effect of missense changes on protein structure and function (PolyPhen-2) suggests that this variant is likely to be tolerated. In summary, the available evidence is currently insufficient to determine the role of this variant in disease. Therefore, it has been classified as a Variant of Uncertain Significance.

Natera, Inc.
Classification: Uncertain significance for Dyskeratosis congenita. Last evaluated: 2020-02-26. Review status: no assertion criteria provided. Collection method: clinical testing. Allele origin: germline. Not counted in ClinVar's aggregate classification.

NM_001283009.2(RTEL1):c.2733C>G (p.Asn911Lys)

Genes: RTEL1 (regulator of telomere elongation helicase 1; plus strand), RTEL1-TNFRSF6B (RTEL1-TNFRSF6B readthrough (NMD candidate); plus strand). Cytogenetic location: 20q13.33.
Variant type: single nucleotide variant.
Coding change: c.2733C>G on transcript NM_001283009.2 (MANE Select); coding-DNA position 2733, C replaced by G.
Protein change: p.Asn911Lys; replaces asparagine 911 with lysine.
Molecular consequence: missense variant. On other transcripts: non-coding transcript variant (1).
Genome position (GRCh38, 1-based): chr20:63,692,885, C>G. VCF-style: chr20-63692885-C-G. GRCh37 (hg19) VCF-style: chr20-62324238-C-G.
Other names: c.2064C>G, p.Asn688Lys (NM_001283010.1); c.2733C>G, p.Asn911Lys (NM_016434.4); c.2805C>G, p.Asn935Lys (NM_032957.5); short protein forms N688K, N935K, N911K.
Identifiers: ClinVar variation 1042844 (VCV001042844.10), dbSNP rs372027131, ClinGen allele CA409682931.